The following is an entry in ClinVar:

NM_000169.3(GLA):c.559_560del (p.Met187fs)

Genes: GLA (galactosidase alpha; minus strand), RPL36A-HNRNPH2 (RPL36A-HNRNPH2 readthrough; plus strand). Cytogenetic location: Xq22.1.
Variant type: Deletion.
Coding change: c.559_560del on transcript NM_000169.3 (MANE Select); coding-DNA positions 559 to 560, 2 bases deleted (AT; older notation c.559_560delAT).
Protein change: p.Met187fs; shifts the reading frame from methionine 187.
Molecular consequence: frameshift variant. On other transcripts: intron variant (2), non-coding transcript variant (2).
Genome position (GRCh38, 1-based): chrX:101,400,745-101,400,746, AT deleted on the plus strand (AT on the coding strand, the reverse complement: GLA is on the minus strand). VCF-style (leftmost placement, unchanged base first): chrX-101400744-CAT-C. GRCh37 (hg19) VCF-style: chrX-100655732-CAT-C.
Other names: c.300+5288_300+5289del (NM_001199973.2); c.177+8923_177+8924del (NM_001199974.2); c.682_683del, p.Met228fs (NM_001406747.1); c.559_560del, p.Met187fs (NM_001406748.1); short protein forms M187fs, M228fs.
Identifiers: ClinVar variation 992230 (VCV000992230.8), dbSNP rs1928287177, ClinGen allele CA1139667725.

ClinVar aggregate classification (germline): Pathogenic. Review status: criteria provided, multiple submitters, no conflicts (2 of 4 stars). 3 submissions from 3 submitters: Pathogenic (3). Last evaluated 2026-09-08.

Conditions:
Fabry disease. Also called: ALPHA-GALACTOSIDASE A DEFICIENCY; CERAMIDE TRIHEXOSIDASE DEFICIENCY; GLA DEFICIENCY; HEREDITARY DYSTOPIC LIPIDOSIS; Angiokeratoma corporis diffusum; Fabry's disease. Identifiers: Orphanet 324, MedGen C0002986, MONDO:0010526, OMIM 301500, HP:0001071. Disease mechanism: loss of function, Fabry disease is due to inactivating mutations in the X-linked GLA gene resulting in deficiency of the enzyme Alpha Galactosidase-A..

Submissions (3):

Genomenon, Inc
Classification: Pathogenic for Fabry disease. Last evaluated: 2026-09-08. Review status: criteria provided, single submitter. Criteria: Genomenon Sequence Variant Interpretation Standards - Updated. Collection method: curation. Allele origin: germline. Affected: yes.
Comment: GLA p.Met187ValfsTer6 (c.559_560del) is a frameshift variant that is predicted to introduce a premature termination codon and result in a truncated or absent protein product. This variant has been observed in at least one proband with clinical features consistent with Fabry disease (PMID:29543226;33807900;28728877;35338595;39766319). It is absent or not present at a significant frequency in gnomAD. In conclusion, we classify GLA p.Met187ValfsTer6 (c.559_560del) as a pathogenic variant.

Labcorp Genetics (formerly Invitae), Labcorp
Classification: Pathogenic for Fabry disease. Last evaluated: 2022-04-03. Review status: criteria provided, single submitter. Criteria: Invitae Variant Classification Sherloc (09022015). Collection method: clinical testing. Allele origin: germline.
Comment: This premature translational stop signal has been observed in individual(s) with Fabry disease (PMID: 28728877). This variant is not present in population databases (gnomAD no frequency). This sequence change creates a premature translational stop signal (p.Met187Valfs*6) in the GLA gene. It is expected to result in an absent or disrupted protein product. Loss-of-function variants in GLA are known to be pathogenic (PMID: 10666480, 12175777). ClinVar contains an entry for this variant (Variation ID: 992230). For these reasons, this variant has been classified as Pathogenic.

Women's Health and Genetics/Laboratory Corporation of America, LabCorp
Classification: Pathogenic for Fabry disease. Last evaluated: 2020-12-15. Review status: criteria provided, single submitter. Criteria: LabCorp Variant Classification Summary - May 2015. Collection method: clinical testing. Allele origin: germline.
Comment: Variant summary: GLA c.559_560delAT (p.Met187ValfsX6) results in a premature termination codon, predicted to cause a truncation of the encoded protein or absence of the protein due to nonsense mediated decay, which are commonly known mechanisms for disease. Truncations downstream of this position have been classified as pathogenic by our laboratory. The variant was absent in 181428 control chromosomes. c.559_560delAT has been reported in the literature in individuals affected with classic manifestations of Fabry Disease and associated with elevated serum Lyso-Gb3 levels in males with a classic disease presentation (example, Nowak_2019, Nowak_2017, Barbey_2019, Maruyama_2019). The most pronounced variant effect results in alpha-Gal A enzyme activity within the levels expected for a carrier female and can be extrapolated to <10% of normal activity in classic male patients (Maruyama_2019). No clinical diagnostic laboratories have submitted clinical-significance assessments for this variant to ClinVar after 2014. Based on the evidence outlined above, the variant was classified as pathogenic.

Literature cited by the submitters: PubMed 29543226 (cited by Genomenon, Inc and Women's Health and Genetics/Laboratory Corporation of America, LabCorp); PubMed 33807900 (cited by Genomenon, Inc); PubMed 28728877 (cited by 3 submitters); PubMed 35338595 (cited by Genomenon, Inc); PubMed 39766319 (cited by Genomenon, Inc); PubMed 10666480 (cited by Labcorp Genetics (formerly Invitae), Labcorp); PubMed 12175777 (cited by Labcorp Genetics (formerly Invitae), Labcorp); PubMed 30644091 (cited by Women's Health and Genetics/Laboratory Corporation of America, LabCorp); PubMed 31449323 (cited by Women's Health and Genetics/Laboratory Corporation of America, LabCorp).